The following is an entry in ClinVar:

ClinVar aggregate classification (germline): Benign (1 of 4 stars; one submission).

Allele frequency attached by ClinVar (database versions not stated): 1000 Genomes Project 0.03634; 1000 Genomes Project 30x 0.03841; gnomAD 0.04185 and 0.04288; TOPMed 0.04455.
gnomAD v4.1: 6,358 of 152,282 alleles (4.2%); highest among the groups gnomAD compares: Middle Eastern, 8.5%; 148 homozygotes.

Submission:

GeneDx
Classification: Benign. Last evaluated: 2018-06-14. Review status: criteria provided, single submitter. Criteria: GeneDx Variant Classification (06012015). Collection method: clinical testing. Allele origin: germline. Affected: yes.
Comment: This variant is considered likely benign or benign based on one or more of the following criteria: it is a conservative change, it occurs at a poorly conserved position in the protein, it is predicted to be benign by multiple in silico algorithms, and/or has population frequency not consistent with disease.

NM_153676.4(USH1C):c.2184+229C>T

Gene: USH1C (USH1 protein network component harmonin; minus strand). Cytogenetic location: 11p15.1.
Variant type: single nucleotide variant.
Coding change: c.2184+229C>T on transcript NM_153676.4 (MANE Select); 229 bases into the intron after coding-DNA position 2184, C replaced by T.
Molecular consequence: intron variant.
Genome position (GRCh38, 1-based): chr11:17,504,418, G>A on the plus strand (C>T on the coding strand, the complement: USH1C is on the minus strand). VCF-style: chr11-17504418-G-A. GRCh37 (hg19) VCF-style: chr11-17525965-G-A.
Other names: c.1228-2438C>T (NM_001297764.2); c.1285-2438C>T (NM_005709.4).
Identifiers: ClinVar variation 678881 (VCV000678881.1), dbSNP rs11024312, ClinGen allele CA218490288.